The following is an entry in ClinVar:

ClinVar aggregate classification (germline): Uncertain significance. Review status: criteria provided, multiple submitters, no conflicts (2 of 4 stars). 2 submissions from 2 submitters: Uncertain significance (2). Last evaluated 2026-02-16.

Conditions:
Cardiovascular phenotype. Identifiers: MedGen CN230736.

Submissions (2):

Women's Health and Genetics/Laboratory Corporation of America, LabCorp
Classification: Uncertain significance. Last evaluated: 2026-02-16. Review status: criteria provided, single submitter. Criteria: LabCorp Variant Classification Summary - May 2015. Collection method: clinical testing. Allele origin: germline.
Comment: Variant summary: TNXB c.4381C>G (p.Gln1461Glu) results in a conservative amino acid change in the encoded protein sequence. Algorithms developed to predict the effect of missense changes on protein structure and function all suggest that this variant is likely to be tolerated. The variant allele was found at a frequency of 2.5e-05 in 237558 control chromosomes. The available data on variant occurrences in the general population are insufficient to allow any conclusion about variant significance. To our knowledge, no occurrence of c.4381C>G in individuals affected with TNXB-related conditions and no experimental evidence demonstrating its impact on protein function have been reported. ClinVar contains an entry for this variant (Variation ID: 3972073). Based on the evidence outlined above, the variant was classified as uncertain significance.

Ambry Genetics
Classification: Uncertain significance for Cardiovascular phenotype. Last evaluated: 2025-04-13. Review status: criteria provided, single submitter. Criteria: Ambry Variant Classification Scheme 2023. Collection method: clinical testing. Allele origin: germline.

NM_001365276.2(TNXB):c.4381C>G (p.Gln1461Glu)

Gene: TNXB (tenascin XB; minus strand). Cytogenetic location: 6p21.33.
Variant type: single nucleotide variant.
Coding change: c.4381C>G on transcript NM_001365276.2 (MANE Select); coding-DNA position 4381, C replaced by G.
Protein change: p.Gln1461Glu; replaces glutamine 1461 with glutamic acid.
Molecular consequence: missense variant.
Genome position (GRCh38, 1-based): chr6:32,073,947, G>C on the plus strand (C>G on the coding strand, the complement: TNXB is on the minus strand). VCF-style: chr6-32073947-G-C. GRCh37 (hg19) VCF-style: chr6-32041724-G-C.
Other names: c.5122C>G, p.Gln1708Glu (NM_001428335.1); c.4381C>G, p.Gln1461Glu (NM_019105.8); short protein forms Q1708E, Q1461E.
Identifiers: ClinVar variation 3972073 (VCV003972073.2).